The following is an entry in ClinVar:

NM_004525.3(LRP2):c.1234A>T (p.Arg412Trp)

Gene: LRP2 (LDL receptor related protein 2; minus strand). Cytogenetic location: 2q31.1.
Variant type: single nucleotide variant.
Coding change: c.1234A>T on transcript NM_004525.3 (MANE Select); coding-DNA position 1234, A replaced by T.
Protein change: p.Arg412Trp; replaces arginine 412 with tryptophan.
Molecular consequence: missense variant.
Genome position (GRCh38, 1-based): chr2:169,280,457, T>A on the plus strand (A>T on the coding strand, the complement: LRP2 is on the minus strand). VCF-style: chr2-169280457-T-A. GRCh37 (hg19) VCF-style: chr2-170136967-T-A.
Other names: short protein forms R412W.
Identifiers: ClinVar variation 1348740 (VCV001348740.6), dbSNP rs779573739, ClinGen allele CA1955617.

ClinVar aggregate classification (germline): Uncertain significance. Review status: criteria provided, multiple submitters, no conflicts (2 of 4 stars). 2 submissions from 2 submitters: Uncertain significance (2). Last evaluated 2024-03-13.

Conditions:
Donnai-Barrow syndrome. Also called: DBS/FOAR SYNDROME; FACIOOCULOACOUSTICORENAL SYNDROME. Identifiers: Orphanet 2143, MedGen C1857277, MONDO:0009104, OMIM 222448.

Allele frequency attached by ClinVar (database versions not stated): gnomAD exomes below 0.00001 and 0.00001; gnomAD 0.00001; TOPMed 0.00001; ExAC 0.00002.
gnomAD v4.1: 7 of 1,614,064 alleles (0.00043%); highest among the groups gnomAD compares: Non-Finnish European, 0.00059%; no homozygotes.

Submissions (2):

Fulgent Genetics
Classification: Uncertain significance for Donnai-Barrow syndrome. Last evaluated: 2024-03-13. Review status: criteria provided, single submitter. Criteria: ACMG Guidelines, 2015. Collection method: clinical testing. Allele origin: germline.

Labcorp Genetics (formerly Invitae), Labcorp
Classification: Uncertain significance. Last evaluated: 2021-08-27. Review status: criteria provided, single submitter. Criteria: Invitae Variant Classification Sherloc (09022015). Collection method: clinical testing. Allele origin: germline.
Comment: This sequence change replaces arginine with tryptophan at codon 412 of the LRP2 protein (p.Arg412Trp). The arginine residue is moderately conserved and there is a moderate physicochemical difference between arginine and tryptophan. This variant is present in population databases (rs779573739, ExAC 0.003%). This variant has not been reported in the literature in individuals affected with LRP2-related conditions. Algorithms developed to predict the effect of missense changes on protein structure and function are either unavailable or do not agree on the potential impact of this missense change (SIFT: "Deleterious"; PolyPhen-2: "Benign"; Align-GVGD: "Class C0"). In summary, the available evidence is currently insufficient to determine the role of this variant in disease. Therefore, it has been classified as a Variant of Uncertain Significance.